The following is an entry in ClinVar:

NM_058216.3(RAD51C):c.476A>C (p.Asp159Ala)

Gene: RAD51C (RAD51 paralog C; plus strand). Cytogenetic location: 17q22.
Variant type: single nucleotide variant.
Coding change: c.476A>C on transcript NM_058216.3 (MANE Select); coding-DNA position 476, A replaced by C.
Protein change: p.Asp159Ala; replaces aspartic acid 159 with alanine.
Molecular consequence: missense variant.
Genome position (GRCh38, 1-based): chr17:58,696,764, A>C. VCF-style: chr17-58696764-A-C. GRCh37 (hg19) VCF-style: chr17-56774125-A-C.
Other names: c.476A>C (LRG_314t1); short protein forms D159A.
Identifiers: ClinVar variation 486275 (VCV000486275.15), dbSNP rs1555594714, ClinGen allele CA400344697.

ClinVar aggregate classification (germline): Uncertain significance. Review status: criteria provided, multiple submitters, no conflicts (2 of 4 stars). 2 submissions from 2 submitters: Uncertain significance (2). Last evaluated 2019-05-20.

Conditions:
Fanconi anemia complementation group O. Also called: RAD51C-Related Fanconi Anemia. Identifiers: Orphanet 84, MedGen C3150653, MONDO:0013248, OMIM 613390.
Hereditary cancer-predisposing syndrome. Also called: Tumor predisposition; Neoplastic Syndromes, Hereditary; Hereditary Cancer Syndrome; Hereditary neoplastic syndrome. Identifiers: Orphanet 140162, MedGen C0027672, MeSH D009386, MONDO:0015356.

Submissions (2):

Labcorp Genetics (formerly Invitae), Labcorp
Classification: Uncertain significance for Fanconi anemia complementation group O. Last evaluated: 2019-05-20. Review status: criteria provided, single submitter. Criteria: Invitae Variant Classification Sherloc (09022015). Collection method: clinical testing. Allele origin: germline.
Comment: In summary, the available evidence is currently insufficient to determine the role of this variant in disease. Therefore, it has been classified as a Variant of Uncertain Significance. Algorithms developed to predict the effect of missense changes on protein structure and function are either unavailable or do not agree on the potential impact of this missense change (SIFT: "Deleterious"; PolyPhen-2: "Probably Damaging"; Align-GVGD: "Class C0"). This variant has not been reported in the literature in individuals with RAD51C-related conditions. ClinVar contains an entry for this variant (Variation ID: 486275). This sequence change replaces aspartic acid with alanine at codon 159 of the RAD51C protein (p.Asp159Ala). The aspartic acid residue is highly conserved and there is a moderate physicochemical difference between aspartic acid and alanine. This variant is not present in population databases (ExAC no frequency).

Ambry Genetics
Classification: Uncertain significance for Hereditary cancer-predisposing syndrome. Last evaluated: 2016-08-15. Review status: criteria provided, single submitter. Criteria: Ambry Variant Classification Scheme 2023. Collection method: clinical testing. Allele origin: germline.
Comment: The p.D159A variant (also known as c.476A>C), located in coding exon 3 of the RAD51C gene, results from an A to C substitution at nucleotide position 476. The aspartic acid at codon 159 is replaced by alanine, an amino acid with dissimilar properties. This variant was not reported in population based cohorts in the following databases: Database of Single Nucleotide Polymorphisms (dbSNP), NHLBI Exome Sequencing Project (ESP), and 1000 Genomes Project. In the ESP, this variant was not observed in 6503 samples (13006 alleles) with coverage at this position. To date, this alteration has been detected with an allele frequency of approximately 0.001% (greater than 175000 alleles tested) in our clinical cohort. This amino acid position is highly conserved in available vertebrate species. In addition, this alteration is predicted to be deleterious by in silico analysis. Since supporting evidence is limited at this time, the clinical significance of this alteration remains unclear.